The following is an entry in ClinVar:

NM_000047.3(ARSL):c.978G>A (p.Met326Ile)

Gene: ARSL (arylsulfatase L; minus strand). Cytogenetic location: Xp22.33.
Variant type: single nucleotide variant.
Coding change: c.978G>A on transcript NM_000047.3 (MANE Select); coding-DNA position 978, G replaced by A.
Protein change: p.Met326Ile; replaces methionine 326 with isoleucine.
Molecular consequence: missense variant.
Genome position (GRCh38, 1-based): chrX:2,946,011, C>T on the plus strand (G>A on the coding strand, the complement: ARSL is on the minus strand). VCF-style: chrX-2946011-C-T. GRCh37 (hg19) VCF-style: chrX-2864052-C-T.
Other names: c.1053G>A, p.Met351Ile (NM_001282628.2, NM_001369080.1); c.816G>A, p.Met272Ile (NM_001282631.2); c.1005G>A, p.Met335Ile (NM_001369079.1); short protein forms M326I, M335I, M351I, M272I.
Identifiers: ClinVar variation 3660682 (VCV003660682.2).
Genomic context (GRCh38, chrX:2,946,011, plus strand): 5'-CTATTGCTGGAAGGGAAGCAGCCCATTTTCCCTGGAAGTGCACTTACCTACCATCCAGTC[C>T]ATCTCCTCTACGTTGTCCCCATACAGCCCGTGGAGACTCTTCCCGAGGAAGTTCTCCATA-3'
Protein context (NP_000038.2, residues 316-336): HGLYGDNVEE[Met326Ile]DWMVGRILDT

ClinVar aggregate classification (germline): Uncertain significance (1 of 4 stars; one submission).

Conditions:
Chondrodysplasia punctata, brachytelephalangic, autosomal. Also called: BRACHYTELEPHALANGIC CHONDRODYSPLASIA PUNCTATA. Identifiers: MedGen C1844853, MONDO:0011238, OMIM 602497.

Submission:

Labcorp Genetics (formerly Invitae), Labcorp
Classification: Uncertain significance for Chondrodysplasia punctata, brachytelephalangic, autosomal. Last evaluated: 2024-07-27. Review status: criteria provided, single submitter. Criteria: Invitae Variant Classification Sherloc (09022015). Collection method: clinical testing. Allele origin: germline.
Comment: This sequence change replaces methionine, which is neutral and non-polar, with isoleucine, which is neutral and non-polar, at codon 326 of the ARSE protein (p.Met326Ile). This variant is not present in population databases (gnomAD no frequency). This variant has not been reported in the literature in individuals affected with ARSE-related conditions. Advanced modeling of protein sequence and biophysical properties (such as structural, functional, and spatial information, amino acid conservation, physicochemical variation, residue mobility, and thermodynamic stability) has been performed at Invitae for this missense variant, however the output from this modeling did not meet the statistical confidence thresholds required to predict the impact of this variant on ARSE protein function. In summary, the available evidence is currently insufficient to determine the role of this variant in disease. Therefore, it has been classified as a Variant of Uncertain Significance.